The following is an entry in ClinVar:

NM_005050.4(ABCD4):c.23C>T (p.Pro8Leu)

Gene: ABCD4 (ATP binding cassette subfamily D member 4; minus strand). Cytogenetic location: 14q24.3.
Variant type: single nucleotide variant.
Coding change: c.23C>T on transcript NM_005050.4 (MANE Select); coding-DNA position 23, C replaced by T.
Protein change: p.Pro8Leu; replaces proline 8 with leucine.
Molecular consequence: missense variant. On other transcripts: 5 prime UTR variant (19), non-coding transcript variant (10).
Genome position (GRCh38, 1-based): chr14:74,302,890, G>A on the plus strand (C>T on the coding strand, the complement: ABCD4 is on the minus strand). VCF-style: chr14-74302890-G-A. GRCh37 (hg19) VCF-style: chr14-74769593-G-A.
Other names: c.23C>T, p.Pro8Leu (NM_001353591.2, NM_001353592.2, NM_020323.1 and 1 more transcripts); c.-120C>T (NM_001353593.2, NM_001353594.2); c.-387C>T (NM_001353595.2); c.-259C>T (NM_001353596.2, NM_001353597.2); c.-208C>T (NM_001353598.2); c.-315C>T (NM_001353599.2, NM_020324.3); c.-327C>T (NM_001353600.2); c.-187C>T (NM_001353601.2); and 7 more; short protein forms P8L.
Identifiers: ClinVar variation 2731113 (VCV002731113.3), dbSNP rs147329563, ClinGen allele CA263578203.
Genomic context (GRCh38, chr14:74,302,890, plus strand): 5'-CCGGAACTCCTGCTCCCAAACCTCCTCCCCGACCGCCCTGCTTACCTGGCGCCAGCTCCG[G>A]GCGCGGGCCCCGCGACCGCCATGACCTGAGACCCGAGGGACTCTGGAGCCCAGCTGCCCC-3'
Protein context (NP_005041.1, residues 1-18): MAVAGPA[Pro8Leu]GAGARPRLDL

ClinVar aggregate classification (germline): Uncertain significance. Review status: criteria provided, multiple submitters, no conflicts (2 of 4 stars). 2 submissions from 2 submitters: Uncertain significance (2). Last evaluated 2024-07-24.

Conditions:
Inborn genetic diseases. Identifiers: MedGen C0950123, MeSH D030342.
Methylmalonic acidemia with homocystinuria, type cblJ (MAHCJ). Also called: METHYLMALONIC ACIDURIA AND HOMOCYSTINURIA, cblJ TYPE. Identifiers: Orphanet 369955, MedGen C3553915, MONDO:0013925, OMIM 614857.

Allele frequency attached by ClinVar (database versions not stated): gnomAD exomes below 0.00001; TOPMed 0.00001; gnomAD 0.00003; ESP Exome Variant Server 0.00008.
gnomAD v4.1: 6 of 1,607,466 alleles (0.00037%); highest among the groups gnomAD compares: African/African-American, 0.0027%; no homozygotes.

Submissions (2):

Labcorp Genetics (formerly Invitae), Labcorp
Classification: Uncertain significance for Methylmalonic acidemia with homocystinuria, type cblJ. Last evaluated: 2024-07-24. Review status: criteria provided, single submitter. Criteria: Invitae Variant Classification Sherloc (09022015). Collection method: clinical testing. Allele origin: germline.
Comment: This sequence change replaces proline, which is neutral and non-polar, with leucine, which is neutral and non-polar, at codon 8 of the ABCD4 protein (p.Pro8Leu). This variant is not present in population databases (gnomAD no frequency). This variant has not been reported in the literature in individuals affected with ABCD4-related conditions. Advanced modeling of protein sequence and biophysical properties (such as structural, functional, and spatial information, amino acid conservation, physicochemical variation, residue mobility, and thermodynamic stability) performed at Invitae indicates that this missense variant is not expected to disrupt ABCD4 protein function with a negative predictive value of 95%. In summary, the available evidence is currently insufficient to determine the role of this variant in disease. Therefore, it has been classified as a Variant of Uncertain Significance.

Ambry Genetics
Classification: Uncertain significance for Inborn genetic diseases. Last evaluated: 2024-02-21. Review status: criteria provided, single submitter. Criteria: Ambry Variant Classification Scheme 2023. Collection method: clinical testing. Allele origin: germline.